The following is an entry in ClinVar:

NM_014915.3(ANKRD26):c.4731T>G (p.Asn1577Lys)

Gene: ANKRD26 (ankyrin repeat domain containing 26; minus strand). Cytogenetic location: 10p12.1.
Variant type: single nucleotide variant.
Coding change: c.4731T>G on transcript NM_014915.3 (MANE Select); coding-DNA position 4731, T replaced by G.
Protein change: p.Asn1577Lys; replaces asparagine 1577 with lysine.
Molecular consequence: missense variant.
Genome position (GRCh38, 1-based): chr10:27,013,104, A>C on the plus strand (T>G on the coding strand, the complement: ANKRD26 is on the minus strand). VCF-style: chr10-27013104-A-C. GRCh37 (hg19) VCF-style: chr10-27302033-A-C.
Other names: c.4728T>G, p.Asn1576Lys (NM_001256053.2); short protein forms N1576K, N1577K.
Identifiers: ClinVar variation 1710595 (VCV001710595.3), dbSNP rs2538527228, ClinGen allele CA376355104.

ClinVar aggregate classification (germline): Uncertain significance. Review status: criteria provided, multiple submitters, no conflicts (2 of 4 stars). 2 submissions from 2 submitters: Uncertain significance (2). Last evaluated 2025-01-16.

Conditions:
Inborn genetic diseases. Identifiers: MedGen C0950123, MeSH D030342.

Allele frequency attached by ClinVar (database versions not stated): gnomAD exomes below 0.00001.
gnomAD v4.1: 2 of 1,613,628 alleles (0.00012%); highest among the groups gnomAD compares: Non-Finnish European, 0.000085%; no homozygotes.

Submissions (2):

Ambry Genetics
Classification: Uncertain significance for Inborn genetic diseases. Last evaluated: 2025-01-16. Review status: criteria provided, single submitter. Criteria: Ambry Variant Classification Scheme 2023. Collection method: clinical testing. Allele origin: germline.
Comment: The p.N1577K variant (also known as c.4731T>G), located in coding exon 32 of the ANKRD26 gene, results from a T to G substitution at nucleotide position 4731. The asparagine at codon 1577 is replaced by lysine, an amino acid with similar properties. This amino acid position is conserved. In addition, this alteration is predicted to be tolerated by in silico analysis. Based on the available evidence, the clinical significance of this variant remains unclear.

GeneDx
Classification: Uncertain significance. Last evaluated: 2022-04-12. Review status: criteria provided, single submitter. Criteria: GeneDx Variant Classification Process June 2021. Collection method: clinical testing. Allele origin: germline. Affected: yes.
Comment: Not observed at significant frequency in large population cohorts (gnomAD); In silico analysis supports that this missense variant has a deleterious effect on protein structure/function; Has not been previously published as pathogenic or benign to our knowledge